The following is an entry in ClinVar:

NM_000051.4(ATM):c.6007-2A>G

Genes: ATM (ATM serine/threonine kinase; plus strand), C11orf65 (chromosome 11 open reading frame 65; minus strand). Cytogenetic location: 11q22.3.
Variant type: single nucleotide variant.
Coding change: c.6007-2A>G on transcript NM_000051.4 (MANE Select); the canonical splice acceptor site of the intron before coding-DNA position 6007, A replaced by G.
Molecular consequence: splice acceptor variant. On other transcripts: intron variant (2).
Genome position (GRCh38, 1-based): chr11:108,315,821, A>G. VCF-style: chr11-108315821-A-G. GRCh37 (hg19) VCF-style: chr11-108186548-A-G.
Other names: c.6007-2A>G (NM_001351834.2); c.641-6750T>C (NM_001330368.2); c.*39-6750T>C (NM_001351110.2).
Identifiers: ClinVar variation 1479147 (VCV001479147.7), dbSNP rs2136117225, ClinGen allele CA382549757.

ClinVar aggregate classification (germline): Likely pathogenic. Review status: criteria provided, multiple submitters, no conflicts (2 of 4 stars). 2 submissions from 2 submitters: Likely pathogenic (2). Last evaluated 2023-02-11.

Conditions:
ATM-related cancer predisposition. Also called: ATM-related cancer susceptibility. Identifiers: MedGen CN377759, MONDO:0700270.
Ataxia-telangiectasia syndrome (AT). Also called: LOUIS-BAR SYNDROME; Cerebello-oculocutaneous telangiectasia; Immunodeficiency with ataxia telangiectasia; Ataxia telangiectasia (A-T); Ataxia-telangiectasia, complementation group D; AT, COMPLEMENTATION GROUP C. Identifiers: Orphanet 100, MedGen C0004135, MONDO:0008840, OMIM 208900.

Submissions (2):

Institute for Genomic Medicine (IGM) Clinical Laboratory, Nationwide Children's Hospital
Classification: Likely pathogenic for ATM-related cancer predisposition. Last evaluated: 2023-02-11. Review status: criteria provided, single submitter. Criteria: ACMG Guidelines, 2015. Collection method: clinical testing. Allele origin: germline.
Comment: This variant is predicted to result in loss of function through nonsense-mediated decay of the encoded transcript or premature truncation of the encoded protein in a gene in which loss of function is a known mechanism of disease (ACMG/AMP: PVS1; PMIDs:23807571, 25614872). This variant is absent from or present at an exceedingly low frequency in gnomAD, a large-scale control population database (ACMG/AMP: PM2).

Labcorp Genetics (formerly Invitae), Labcorp
Classification: Likely pathogenic for Ataxia-telangiectasia syndrome. Last evaluated: 2021-10-23. Review status: criteria provided, single submitter. Criteria: Invitae Variant Classification Sherloc (09022015). Collection method: clinical testing. Allele origin: germline.
Comment: This sequence change affects an acceptor splice site in intron 40 of the ATM gene. It is expected to disrupt RNA splicing. Variants that disrupt the donor or acceptor splice site typically lead to a loss of protein function (PMID: 16199547), and loss-of-function variants in ATM are known to be pathogenic (PMID: 23807571, 25614872). This variant is not present in population databases (ExAC no frequency). Disruption of this splice site has been observed in individual(s) with breast cancer (PMID: 29665859). Algorithms developed to predict the effect of sequence changes on RNA splicing suggest that this variant may disrupt the consensus splice site. In summary, the currently available evidence indicates that the variant is pathogenic, but additional data are needed to prove that conclusively. Therefore, this variant has been classified as Likely Pathogenic.

Literature cited by the submitters: PubMed 23807571 (cited by Institute for Genomic Medicine (IGM) Clinical Laboratory, Nationwide Children's Hospital and Labcorp Genetics (formerly Invitae), Labcorp); PubMed 25614872 (cited by Institute for Genomic Medicine (IGM) Clinical Laboratory, Nationwide Children's Hospital and Labcorp Genetics (formerly Invitae), Labcorp); PubMed 16199547 (cited by Labcorp Genetics (formerly Invitae), Labcorp); PubMed 29665859 (cited by Labcorp Genetics (formerly Invitae), Labcorp).